The following is an entry in ClinVar:

ClinVar aggregate classification (germline): Uncertain significance (1 of 4 stars; one submission).

Submission:

GeneDx
Classification: Uncertain significance. Last evaluated: 2025-06-09. Review status: criteria provided, single submitter. Criteria: GeneDx Variant Classification Process June 2021. Collection method: clinical testing. Allele origin: germline. Affected: yes.
Comment: Not observed at significant frequency in large population cohorts (gnomAD); In silico analysis supports a deleterious effect on splicing; Has not been previously published as pathogenic or benign to our knowledge

NM_013275.6(ANKRD11):c.226+3A>T

Gene: ANKRD11 (ankyrin repeat domain 11; minus strand). Cytogenetic location: 16q24.3.
Variant type: single nucleotide variant.
Coding change: c.226+3A>T on transcript NM_013275.6 (MANE Select); 3 bases into the intron after coding-DNA position 226, A replaced by T.
Molecular consequence: intron variant.
Genome position (GRCh38, 1-based): chr16:89,305,203, T>A on the plus strand (A>T on the coding strand, the complement: ANKRD11 is on the minus strand). VCF-style: chr16-89305203-T-A. GRCh37 (hg19) VCF-style: chr16-89371611-T-A.
Other names: c.226+3A>T (NM_001256183.2, NM_001256182.2).
Identifiers: ClinVar variation 4537569 (VCV004537569.1).